The following is an entry in ClinVar:

ClinVar aggregate classification (germline): Uncertain significance (1 of 4 stars; one submission).

Submission:

Ambry Genetics
Classification: Uncertain significance. Last evaluated: 2022-01-11. Review status: criteria provided, single submitter. Criteria: Ambry Variant Classification Scheme 2023. Collection method: clinical testing. Allele origin: germline.
Comment: The p.L527S variant (also known as c.1580T>C), located in coding exon 16 of the NEBL gene, results from a T to C substitution at nucleotide position 1580. The leucine at codon 527 is replaced by serine, an amino acid with dissimilar properties. This amino acid position is conserved. In addition, the in silico prediction for this alteration is inconclusive. Since supporting evidence is limited at this time, the clinical significance of this alteration remains unclear.

NM_006393.3(NEBL):c.1580T>C (p.Leu527Ser)

Gene: NEBL (nebulette; minus strand). Cytogenetic location: 10p12.31.
Variant type: single nucleotide variant.
Coding change: c.1580T>C on transcript NM_006393.3 (MANE Select); coding-DNA position 1580, T replaced by C.
Protein change: p.Leu527Ser; replaces leucine 527 with serine.
Molecular consequence: missense variant. On other transcripts: intron variant (9).
Genome position (GRCh38, 1-based): chr10:20,831,287, A>G on the plus strand (T>C on the coding strand, the complement: NEBL is on the minus strand). VCF-style: chr10-20831287-A-G. GRCh37 (hg19) VCF-style: chr10-21120216-A-G.
Other names: c.250-18347T>C (NM_001377326.1, NM_001377327.1, NM_001377328.1); c.358-18347T>C (NM_213569.2, NM_001173484.2, NM_001377322.1); c.301-18347T>C (NM_001377324.1); c.292-18347T>C (NM_001377325.1); c.310-18347T>C (NM_001377323.1); short protein forms L527S.
Identifiers: ClinVar variation 1775696 (VCV001775696.2), dbSNP rs754388372, ClinGen allele CA376097343.